The following is an entry in ClinVar:

NM_015443.4(KANSL1):c.*954C>G

Gene: KANSL1 (KAT8 regulatory NSL complex subunit 1). Cytogenetic location: 17q21.31.
Variant type: single nucleotide variant.
Coding change: c.*954C>G on transcript NM_015443.4 (MANE Select); 954 bases downstream of the stop codon, C replaced by G.
Molecular consequence: 3 prime UTR variant.
Genome position (GRCh38, 1-based): chr17:46,030,522, G>C on the plus strand (C>G on the coding strand, the complement: KANSL1 is on the minus strand). VCF-style: chr17-46030522-G-C. GRCh37 (hg19) VCF-style: chr17-44107888-G-C.
Other names: c.*954C>G (NM_001193465.2, NM_001193466.2, NM_001379198.1).
Identifiers: ClinVar variation 323748 (VCV000323748.30), dbSNP rs150500194, ClinGen allele CA10639919.
Genomic context (GRCh38, chr17:46,030,522, plus strand): 5'-GGAACAATGGGAACCACAGCTAGGACCAGACAATGTTCCACAGGCAAGGGGAGCGTGAAA[G>C]ACCAAGAGTGGAACTAACACCGACAGGGATCTGGATGTGAAGGAAACATGGCAAAGTGAA-3'

ClinVar aggregate classification (germline): Conflicting classifications of pathogenicity. Review status: criteria provided, conflicting classifications (1 of 4 stars). 2 submissions from 2 submitters: Uncertain significance (1); Likely benign (1). Last evaluated 2023-02-01.

Allele frequency attached by ClinVar (database versions not stated): TOPMed 0.00383; gnomAD 0.00393 and 0.00362; gnomAD exomes 0.01667; 1000 Genomes Project 0.00120; 1000 Genomes Project 30x 0.00125.
gnomAD v4.1: 572 of 150,736 alleles (0.38%); highest among the groups gnomAD compares: Non-Finnish European, 0.59%; no homozygotes.

Submissions (2):

CeGaT Center for Human Genetics Tuebingen
Classification: Likely benign. Last evaluated: 2023-02-01. Review status: criteria provided, single submitter. Criteria: CeGaT Center For Human Genetics Tuebingen Variant Classification Criteria Version 2. Collection method: clinical testing. Allele origin: germline. Affected: yes. Observed: 6 variant alleles.
Comment: KANSL1: BS1

Breakthrough Genomics
Classification: Uncertain significance. Review status: criteria provided, single submitter. Criteria: ACMG Guidelines, 2015. Collection method: not provided. Allele origin: germline. Inheritance: Autosomal dominant inheritance. Affected: yes.